The following is an entry in ClinVar:

ClinVar aggregate classification (germline): Pathogenic (1 of 4 stars; one submission).

Conditions:
USH2A-related disorder. Also called: USH2A-related condition; USH2A-related disorders. Identifiers: MedGen CN239332.

Submission:

Myriad Genetics, Inc.
Classification: Pathogenic for USH2A-related disorder. Last evaluated: 2026-01-01. Review status: criteria provided, single submitter. Criteria: Myriad Autosomal Dominant, Autosomal Recessive and X-Linked Classification Criteria (2023). Collection method: clinical testing. Allele origin: unknown.
Comment: NM_206933.2(USH2A):c.10163C>A(S3388*) is expected to be pathogenic in the context of USH2A-related disorders. This variant is predicted to lead to an abnormal or absent protein product due to the creation of a premature termination codon in USH2A, a gene where loss-of-function variants are known to be pathogenic. Please note: this variant was assessed in the context of healthy population screening.

NM_206933.4(USH2A):c.10163C>A (p.Ser3388Ter)

Gene: USH2A (usherin; minus strand). Cytogenetic location: 1q41.
Variant type: single nucleotide variant.
Coding change: c.10163C>A on transcript NM_206933.4 (MANE Select); coding-DNA position 10163, C replaced by A.
Protein change: p.Ser3388Ter; replaces serine 3388 with a stop codon.
Molecular consequence: nonsense.
Genome position (GRCh38, 1-based): chr1:215,790,078, G>T on the plus strand (C>A on the coding strand, the complement: USH2A is on the minus strand). VCF-style: chr1-215790078-G-T. GRCh37 (hg19) VCF-style: chr1-215963420-G-T.
Other names: short protein forms S3388*.
Identifiers: ClinVar variation 5015386 (VCV005015386.1).
Genomic context (GRCh38, chr1:215,790,078, plus strand): 5'-ATTGTCAAATCAGCGCCTCCGAGAGCTTTTCTATCAATTACCTTCATCATCATTCCAGTT[G>T]AAATCTTGTCAGAGCAAACATATTTCAAAGGATTATATCCAACTCCATTACAGCATTTCT-3'